The following is an entry in ClinVar:

ClinVar aggregate classification (germline): Likely pathogenic. Review status: criteria provided, single submitter (1 of 4 stars). 2 submissions from 2 submitters: Likely pathogenic (1). 1 of the submissions does not count toward it. Last evaluated 2022-03-09.

Conditions:
VISS syndrome. Also called: VASCULAR ANEURYSM, IMMUNE DYSREGULATION, SKELETAL ANOMALIES, AND SKIN AND JOINT LAXITY. Identifiers: MedGen C5561955, MONDO:0859177, OMIM 619472.
IPO8 related Connective tissue disorder.

Submissions (2):

SIB Swiss Institute of Bioinformatics
Classification: Likely pathogenic for VISS syndrome. Last evaluated: 2022-03-09. Review status: criteria provided, single submitter. Criteria: ACMG Guidelines, 2015. Collection method: curation. Allele origin: unknown.
Comment: This variant is interpreted as likely pathogenic for VISS syndrome, autosomal recessive. The following ACMG Tag(s) were applied: Absent from controls (or at extremely low frequency if recessive) in Exome Sequencing Project, 1000 Genomes Project, or Exome Aggregation Consortium (PM2); Predicted nullvariant in a gene where LOF is a known mechanism of disease (PVS1 downgraded to strong).

Biochemistry and Genetics Laboratory, University Hospital of Angers
Classification: Pathogenic for IPO8 related Connective tissue disorder. Last evaluated: 2021-04-22. Review status: no assertion criteria provided. Collection method: research. Allele origin: inherited. Affected: yes. Not counted in ClinVar's aggregate classification.

Literature cited by the submitters: PubMed 34010604 (cited by SIB Swiss Institute of Bioinformatics).

NM_006390.4(IPO8):c.2129C>G (p.Ser710Ter)

Gene: IPO8 (importin 8; minus strand). Cytogenetic location: 12p11.21.
Variant type: single nucleotide variant.
Coding change: c.2129C>G on transcript NM_006390.4 (MANE Select); coding-DNA position 2129, C replaced by G.
Protein change: p.Ser710Ter; replaces serine 710 with a stop codon.
Molecular consequence: nonsense.
Genome position (GRCh38, 1-based): chr12:30,652,235, G>C on the plus strand (C>G on the coding strand, the complement: IPO8 is on the minus strand). VCF-style: chr12-30652235-G-C. GRCh37 (hg19) VCF-style: chr12-30805169-G-C.
Other names: c.1514C>G, p.Ser505Ter (NM_001190995.2); short protein forms S505*, S710*.
Identifiers: ClinVar variation 1064729 (VCV001064729.2), dbSNP rs1180377367, ClinGen allele CA384224848.